The following is an entry in ClinVar:

ClinVar aggregate classification (germline): Conflicting classifications of pathogenicity. Review status: criteria provided, conflicting classifications (1 of 4 stars). 3 submissions from 3 submitters: Uncertain significance (1); Likely benign (2). Last evaluated 2026-02-13.

Conditions:
Inborn genetic diseases. Identifiers: MedGen C0950123, MeSH D030342.
RAI1-related disorder. Also called: RAI1-related condition.

Allele frequency attached by ClinVar (database versions not stated): gnomAD exomes 0.00002 and 0.00004; TOPMed 0.00002; ExAC 0.00004.

Submissions (3):

PreventionGenetics, part of Exact Sciences
Classification: Uncertain significance for RAI1-related condition. Last evaluated: 2026-02-13. Review status: criteria provided, single submitter. Criteria: ACMG Guidelines, 2015. Collection method: clinical testing. Allele origin: germline.
Comment: The RAI1 c.1529C>T variant is predicted to result in the amino acid substitution p.Ala510Val. To our knowledge, this variant has not been reported in the literature. This variant is reported in 0.013% of alleles in individuals of South Asian descent in gnomAD. Although we suspect that this variant may be benign, at this time, the clinical significance of this variant is uncertain due to the absence of conclusive functional and genetic evidence.

Labcorp Genetics (formerly Invitae), Labcorp
Classification: Likely benign. Last evaluated: 2025-10-24. Review status: criteria provided, single submitter. Criteria: Invitae Variant Classification Sherloc (09022015). Collection method: clinical testing. Allele origin: germline.

Ambry Genetics
Classification: Likely benign for Inborn genetic diseases. Last evaluated: 2023-10-13. Review status: criteria provided, single submitter. Criteria: Ambry Variant Classification Scheme 2023. Collection method: clinical testing. Allele origin: germline.

NM_030665.4(RAI1):c.1529C>T (p.Ala510Val)

Gene: RAI1 (retinoic acid induced 1; plus strand). Cytogenetic location: 17p11.2.
Variant type: single nucleotide variant.
Coding change: c.1529C>T on transcript NM_030665.4 (MANE Select); coding-DNA position 1529, C replaced by T.
Protein change: p.Ala510Val; replaces alanine 510 with valine.
Molecular consequence: missense variant.
Genome position (GRCh38, 1-based): chr17:17,794,477, C>T. VCF-style: chr17-17794477-C-T. GRCh37 (hg19) VCF-style: chr17-17697791-C-T.
Other names: c.1529C>T (NM_030665.3); short protein forms A510V.
Identifiers: ClinVar variation 1461404 (VCV001461404.10), dbSNP rs756715405, ClinGen allele CA8418351.